The following is an entry in ClinVar:

ClinVar aggregate classification (germline): Uncertain significance (1 of 4 stars; one submission).

Submission:

Department of Medical Genetics, Sanjay Gandhi Post Graduate Institute of Medical Sciences
Classification: Uncertain significance. Review status: criteria provided, single submitter. Criteria: ACMG Guidelines, 2015. Collection method: clinical testing. Allele origin: germline. Inheritance: Autosomal recessive inheritance. Affected: yes. Observed: 1 homozygote.
Comment: The phenotypic association of DCTN2 variants has not been established though it was suggested as a candidate gene for neurodevelopmental disorder in one study (Riazuddin et al., 2017).

NM_001261413.2(DCTN2):c.503A>T (p.Asp168Val)

Gene: DCTN2 (dynactin subunit 2; minus strand). Cytogenetic location: 12q13.3.
Variant type: single nucleotide variant.
Coding change: c.503A>T on transcript NM_001261413.2 (MANE Select); coding-DNA position 503, A replaced by T.
Protein change: p.Asp168Val; replaces aspartic acid 168 with valine.
Molecular consequence: missense variant. On other transcripts: non-coding transcript variant (1).
Genome position (GRCh38, 1-based): chr12:57,534,313, T>A on the plus strand (A>T on the coding strand, the complement: DCTN2 is on the minus strand). VCF-style: chr12-57534313-T-A. GRCh37 (hg19) VCF-style: chr12-57928096-T-A.
Other names: c.509A>T, p.Asp170Val (NM_001261412.2); c.638A>T, p.Asp213Val (NM_001348065.2); c.434A>T, p.Asp145Val (NM_001348066.2); c.242A>T, p.Asp81Val (NM_001348067.2, NM_001348068.2); c.518A>T, p.Asp173Val (NM_006400.5); short protein forms D145V, D168V, D170V, D173V, D213V, D81V.
Identifiers: ClinVar variation 1330219 (VCV001330219.2), dbSNP rs2140121175, ClinGen allele CA385489622.